The following is an entry in ClinVar:

ClinVar aggregate classification (germline): Conflicting classifications of pathogenicity. Review status: criteria provided, conflicting classifications (1 of 4 stars). 3 submissions from 3 submitters: Uncertain significance (1); Benign (1); Likely benign (1). Last evaluated 2026-04-08.

Conditions:
Cardiomyopathy (CMYO). Also called: Cardiomyopathies. Identifiers: Orphanet 167848, MedGen C0878544, MONDO:0004994, HP:0001638. Inheritance: Various modes of inheritance.
Arrhythmogenic cardiomyopathy with wooly hair and keratoderma. Also called: Carvajal syndrome; Dilated cardiomyopathy with woolly hair and keratoderma; PALMOPLANTAR KERATODERMA WITH LEFT VENTRICULAR CARDIOMYOPATHY AND WOOLLY HAIR; Arrhythmogenic cardiomyopathy with woolly hair and keratoderma. Identifiers: Orphanet 65282, MedGen C1854063, MONDO:0011581, OMIM 605676.
Arrhythmogenic right ventricular dysplasia 8 (ARVD8). Also called: Arrhythmogenic Right Ventricular Dysplasia/Cardiomyopathy 8; ARRHYTHMOGENIC RIGHT VENTRICULAR CARDIOMYOPATHY 8; ARRHYTHMOGENIC RIGHT VENTRICULAR DYSPLASIA, FAMILIAL, 8. Identifiers: MedGen C1843896, MONDO:0011831, OMIM 607450.

gnomAD v4.1: 9 of 1,614,134 alleles (0.00056%); highest among the groups gnomAD compares: East Asian, 0.02%; no homozygotes.

Submissions (3):

GeneDx
Classification: Uncertain significance. Last evaluated: 2026-04-08. Review status: criteria provided, single submitter. Criteria: GeneDx Variant Classification Process June 2021. Collection method: clinical testing. Allele origin: germline.
Comment: In silico analysis suggests that this missense variant does not alter protein structure/function; Has not been previously published as pathogenic or benign to our knowledge

Labcorp Genetics (formerly Invitae), Labcorp
Classification: Benign for Arrhythmogenic cardiomyopathy with wooly hair and keratoderma; Arrhythmogenic right ventricular dysplasia 8. Last evaluated: 2022-09-20. Review status: criteria provided, single submitter. Criteria: Invitae Variant Classification Sherloc (09022015). Collection method: clinical testing. Allele origin: germline.

Color Diagnostics, LLC DBA Color Health
Classification: Likely benign for Cardiomyopathy. Last evaluated: 2021-01-04. Review status: criteria provided, single submitter. Criteria: ACMG Guidelines, 2015. Collection method: clinical testing. Allele origin: germline.

NM_004415.4(DSP):c.2540C>G (p.Pro847Arg)

Gene: DSP (desmoplakin; plus strand). Cytogenetic location: 6p24.3.
Variant type: single nucleotide variant.
Coding change: c.2540C>G on transcript NM_004415.4 (MANE Select); coding-DNA position 2540, C replaced by G.
Protein change: p.Pro847Arg; replaces proline 847 with arginine.
Molecular consequence: missense variant.
Genome position (GRCh38, 1-based): chr6:7,575,398, C>G. VCF-style: chr6-7575398-C-G. GRCh37 (hg19) VCF-style: chr6-7575631-C-G.
Other names: c.2540C>G, p.Pro847Arg (NM_001008844.3, NM_001319034.2); short protein forms P847R.
Identifiers: ClinVar variation 927755 (VCV000927755.10), dbSNP rs727504657, ClinGen allele CA033808.
Genomic context (GRCh38, chr6:7,575,398, plus strand): 5'-CTATGAAGACAGAACTACAGAAAGCCCAGCAGATCCACTCTCAGACTTCACAGCAGTATC[C>G]ACTTTATGATCTGGACTTGGGCAAGTTCGGTGAAAAAGTCACACAGCTGACAGACCGCTG-3'
Protein context (NP_004406.2, residues 837-857): QIHSQTSQQY[Pro847Arg]LYDLDLGKFG